The following is an entry in ClinVar:

NM_002454.3(MTRR):c.794dup (p.Ser266fs)

Gene: MTRR (5-methyltetrahydrofolate-homocysteine methyltransferase reductase; plus strand). Cytogenetic location: 5p15.31.
Variant type: Duplication.
Coding change: c.794dup on transcript NM_002454.3 (MANE Select); coding-DNA position 794, one base duplicated (T; older notation c.794dupT).
Protein change: p.Ser266fs; shifts the reading frame from serine 266.
Molecular consequence: frameshift variant. On other transcripts: non-coding transcript variant (14).
Genome position (GRCh38, 1-based): chr5:7,883,168, T duplicated. VCF-style (leftmost placement, unchanged base first): chr5-7883167-G-GT. GRCh37 (hg19) VCF-style: chr5-7883280-G-GT.
Other names: c.794dup, p.Ser266fs (NM_001364440.2, NM_001364441.2, NM_001364442.2 and 1 more transcripts); short protein forms S266fs.
Identifiers: ClinVar variation 4886428 (VCV004886428.2).
Genomic context (GRCh38, chr5:7,883,167, plus strand): 5'-GGTATAATTGAAAATTGCACTTACGTTTTGTCACATTTGTTTTTCAAGGAGGAAAGCCAA[G>GT]TATCTGTGACTTCAGCAGATCCAGTTTTTCAAGTGCCAATTTCAAAGGCAGTTCAACTTA-3'

ClinVar aggregate classification (germline): Likely pathogenic (1 of 4 stars; one submission).

Submission:

Dasa
Classification: Likely pathogenic. Last evaluated: 2025-07-14. Review status: criteria provided, single submitter. Criteria: DASA Assertion Criteria. Collection method: clinical testing. Allele origin: germline.
Comment: NM_002454.3(MTRR):c.794dup (p.Ser266Ilefs*23) is a frameshift variant in MTRR predicted to alter the reading frame and introduce a premature termination codon and is predicted to result in an absent or altered protein product. Loss of function is an established disease mechanism for MTRR-associated disorders. Also, this variant is absent from population databases. Based on the currently available evidence, this variant is classified as likely pathogenic.